The following is an entry in ClinVar:

NM_032130.3(FAM186B):c.2552T>C (p.Met851Thr)

Gene: FAM186B (family with sequence similarity 186 member B; minus strand). Cytogenetic location: 12q13.12.
Variant type: single nucleotide variant.
Coding change: c.2552T>C on transcript NM_032130.3 (MANE Select); coding-DNA position 2552, T replaced by C.
Protein change: p.Met851Thr; replaces methionine 851 with threonine.
Molecular consequence: missense variant.
Genome position (GRCh38, 1-based): chr12:49,587,735, A>G on the plus strand (T>C on the coding strand, the complement: FAM186B is on the minus strand). VCF-style: chr12-49587735-A-G. GRCh37 (hg19) VCF-style: chr12-49981518-A-G.
Other names: short protein forms M851T.
Identifiers: ClinVar variation 4750386 (VCV004750386.1).

ClinVar aggregate classification (germline): Uncertain significance (1 of 4 stars; one submission).

gnomAD v4.1: 21 of 1,613,656 alleles (0.0013%); highest among the groups gnomAD compares: East Asian, 0.036%; no homozygotes.

Submission:

Labcorp Genetics (formerly Invitae), Labcorp
Classification: Uncertain significance. Last evaluated: 2025-03-24. Review status: criteria provided, single submitter. Criteria: Invitae Variant Classification Sherloc (09022015). Collection method: clinical testing. Allele origin: germline.
Comment: This sequence change replaces methionine, which is neutral and non-polar, with threonine, which is neutral and polar, at codon 851 of the FAM186B protein (p.Met851Thr). The frequency data for this variant in the population databases is considered unreliable, as metrics indicate poor data quality at this position in the gnomAD database. This variant has not been reported in the literature in individuals affected with FAM186B-related conditions. An algorithm developed to predict the effect of missense changes on protein structure and function outputs the following: PolyPhen-2: "Benign". The threonine amino acid residue is found in multiple mammalian species, which suggests that this missense change does not adversely affect protein function. In summary, the available evidence is currently insufficient to determine the role of this variant in disease. Therefore, it has been classified as a Variant of Uncertain Significance.